The following is an entry in ClinVar:

NM_030962.4(SBF2):c.5365A>G (p.Ile1789Val)

Genes: SBF2 (SET binding factor 2; minus strand), SBF2-AS1 (SBF2 antisense RNA 1; plus strand), LOC105369149 (uncharacterized LOC105369149; plus strand). Cytogenetic location: 11p15.4.
Variant type: single nucleotide variant.
Coding change: c.5365A>G on transcript NM_030962.4 (MANE Select); coding-DNA position 5365, A replaced by G.
Protein change: p.Ile1789Val; replaces isoleucine 1789 with valine.
Molecular consequence: missense variant.
Genome position (GRCh38, 1-based): chr11:9,781,593, T>C on the plus strand (A>G on the coding strand, the complement: SBF2 is on the minus strand). VCF-style: chr11-9781593-T-C. GRCh37 (hg19) VCF-style: chr11-9803140-T-C.
Other names: c.5461A>G, p.Ile1821Val (NM_001386339.1); c.5236A>G, p.Ile1746Val (NM_001386342.1); short protein forms I1789V, I1746V, I1821V.
Identifiers: ClinVar variation 665565 (VCV000665565.15), dbSNP rs746542104, ClinGen allele CA5880717.

ClinVar aggregate classification (germline): Uncertain significance. Review status: criteria provided, multiple submitters, no conflicts (2 of 4 stars). 5 submissions from 5 submitters: Uncertain significance (5). Last evaluated 2024-06-03.

Conditions:
Charcot-Marie-Tooth disease type 4. Also called: Charcot-Marie-Tooth, Type 4; Charcot-Marie-Tooth disease, type IV. Identifiers: Orphanet 64749, MedGen C4082197, MONDO:0018995.
Charcot-Marie-Tooth disease type 4B2. Also called: CMT 4B2; Charcot-Marie-Tooth Neuropathy Type 4B2; CHARCOT-MARIE-TOOTH DISEASE, WITH FOCALLY FOLDED MYELIN SHEATHS, AUTOSOMAL RECESSIVE, TYPE 4B2; CHARCOT-MARIE-TOOTH DISEASE, DEMYELINATING, TYPE 4B2. Identifiers: Orphanet 99956, MedGen C1858278, MONDO:0011475, OMIM 604563.
Inborn genetic diseases. Identifiers: MedGen C0950123, MeSH D030342.

Allele frequency attached by ClinVar (database versions not stated): gnomAD exomes below 0.00001 and 0.00001; TOPMed below 0.00001; ExAC 0.00002.
gnomAD v4.1: 4 of 1,614,216 alleles (0.00025%); highest among the groups gnomAD compares: Admixed American, 0.0017%; no homozygotes.

Submissions (5):

Ambry Genetics
Classification: Uncertain significance for Inborn genetic diseases. Last evaluated: 2024-06-03. Review status: criteria provided, single submitter. Criteria: Ambry Variant Classification Scheme 2023. Collection method: clinical testing. Allele origin: germline.

Centre of Medical Genetics, University Hospital Muenster
Classification: Uncertain significance for Charcot-Marie-Tooth disease type 4B2. Last evaluated: 2022-05-10. Review status: criteria provided, single submitter. Criteria: ACMG Guidelines, 2015. Collection method: clinical testing. Allele origin: unknown. Affected: yes. Observed: 1 variant allele, 1 heterozygote.
Comment: ACMG categories: PM1,PM2,PP3,BP1

Athena Diagnostics
Classification: Uncertain significance. Last evaluated: 2020-06-03. Review status: criteria provided, single submitter. Criteria: Athena Diagnostics Criteria. Collection method: clinical testing. Allele origin: unknown.

Labcorp Genetics (formerly Invitae), Labcorp
Classification: Uncertain significance for Charcot-Marie-Tooth disease type 4. Last evaluated: 2020-05-25. Review status: criteria provided, single submitter. Criteria: Invitae Variant Classification Sherloc (09022015). Collection method: clinical testing. Allele origin: germline.
Comment: In summary, the available evidence is currently insufficient to determine the role of this variant in disease. Therefore, it has been classified as a Variant of Uncertain Significance. Algorithms developed to predict the effect of missense changes on protein structure and function are either unavailable or do not agree on the potential impact of this missense change (SIFT: "Deleterious"; PolyPhen-2: "Possibly Damaging"; Align-GVGD: "Class C0"). This variant has not been reported in the literature in individuals with SBF2-related disease. This variant is present in population databases (rs746542104, ExAC 0.01%). This sequence change replaces isoleucine with valine at codon 1789 of the SBF2 protein (p.Ile1789Val). The isoleucine residue is highly conserved and there is a small physicochemical difference between isoleucine and valine.

Baylor Genetics
Classification: Uncertain significance for Charcot-Marie-Tooth disease type 4B2. Last evaluated: 2020-05-07. Review status: criteria provided, single submitter. Criteria: ACMG Guidelines, 2015. Collection method: clinical testing. Allele origin: unknown. Affected: yes.
Comment: This variant was determined to be of uncertain significance according to ACMG Guidelines, 2015 [PMID:25741868].